The following is an entry in ClinVar:

NM_000070.3(CAPN3):c.985G>A (p.Gly329Arg)

Gene: CAPN3 (calpain 3; plus strand). Cytogenetic location: 15q15.1.
Variant type: single nucleotide variant.
Coding change: c.985G>A on transcript NM_000070.3 (MANE Select); coding-DNA position 985, G replaced by A.
Protein change: p.Gly329Arg; replaces glycine 329 with arginine.
Molecular consequence: missense variant.
Genome position (GRCh38, 1-based): chr15:42,392,678, G>A. VCF-style: chr15-42392678-G-A. GRCh37 (hg19) VCF-style: chr15-42684876-G-A.
Other names: c.985G>A, p.Gly329Arg (NM_024344.2); c.841G>A, p.Gly281Arg (NM_173087.2); short protein forms G329R, G281R.
Identifiers: ClinVar variation 427161 (VCV000427161.12), dbSNP rs1085307995, ClinGen allele CA391998820.

ClinVar aggregate classification (germline): Pathogenic/Likely pathogenic. Review status: criteria provided, multiple submitters, no conflicts (2 of 4 stars). 3 submissions from 3 submitters: Pathogenic (1); Likely pathogenic (2). Last evaluated 2025-09-22.

Conditions:
Muscular dystrophy, limb-girdle, autosomal dominant 4. Also called: Calpain-3-related limb-girdle muscular dystrophy D4; MUSCULAR DYSTROPHY, LIMB-GIRDLE, TYPE 1I. Identifiers: Orphanet 565909, MedGen C4748295, MONDO:0029133, OMIM 618129.
Autosomal recessive limb-girdle muscular dystrophy type 2A (LGMDR1). Also called: Limb-girdle muscular dystrophy, type 2A; Calpainopathy; LEYDEN-MOEBIUS MUSCULAR DYSTROPHY; MUSCULAR DYSTROPHY, PELVOFEMORAL; Muscular dystrophy, limb-girdle, type 2A, Amish. Identifiers: Orphanet 267, MedGen C1869123, MONDO:0009675, OMIM 253600. Disease mechanism: loss of function.

Allele frequency attached by ClinVar (database versions not stated): gnomAD exomes below 0.00001.
gnomAD v4.1: 3 of 1,613,986 alleles (0.00019%); highest among the groups gnomAD compares: Non-Finnish European, 0.00025%; no homozygotes.

Submissions (3):

Labcorp Genetics (formerly Invitae), Labcorp
Classification: Pathogenic for Autosomal recessive limb-girdle muscular dystrophy type 2A. Last evaluated: 2025-09-22. Review status: criteria provided, single submitter. Criteria: Invitae Variant Classification Sherloc (09022015). Collection method: clinical testing. Allele origin: germline.
Comment: This sequence change replaces glycine, which is neutral and non-polar, with arginine, which is basic and polar, at codon 329 of the CAPN3 protein (p.Gly329Arg). This variant is not present in population databases (gnomAD no frequency). This missense change has been observed in individual(s) with autosomal recessive limb-girdle muscular dystrophy (LGMD) (PMID: 21520333, 28915917; internal data). In at least one individual the data is consistent with being in trans (on the opposite chromosome) from a pathogenic variant. ClinVar contains an entry for this variant (Variation ID: 427161). Invitae Evidence Modeling of protein sequence and biophysical properties (such as structural, functional, and spatial information, amino acid conservation, physicochemical variation, residue mobility, and thermodynamic stability) indicates that this missense variant is expected to disrupt CAPN3 protein function with a positive predictive value of 95%. Experimental studies have shown that this missense change affects CAPN3 function (PMID: 16627476). For these reasons, this variant has been classified as Pathogenic.

Baylor Genetics
Classification: Likely pathogenic for Muscular dystrophy, limb-girdle, autosomal dominant 4. Last evaluated: 2024-03-25. Review status: criteria provided, single submitter. Criteria: ACMG Guidelines, 2015. Collection method: clinical testing. Allele origin: unknown.

GeneDx
Classification: Likely pathogenic. Last evaluated: 2015-05-11. Review status: criteria provided, single submitter. Criteria: GeneDx Variant Classification (06012015). Collection method: clinical testing. Allele origin: germline. Affected: yes.
Comment: The G329R variant was previously reported in a patient with limb-girdle muscular dystrophy type 2A (LGMD2A) who had a second variant on the other allele (CAPN3 LOVD). It was not observed in approximately 6,500 individuals of European and African American ancestry in the NHLBI Exome Sequencing Project, indicating it is not a common benign variant in these populations. The G329R variant is a non-conservative amino acid substitution, which is likely to impact secondary protein structure as these residues differ in polarity, charge, size and/or other properties. This substitution occurs at a position that is conserved across species, and multiple missense variants in nearby residues (V320F, Y322H, G333D, H334Y/L/Q) have also been reported in the Human Gene Mutation Database in association with limb-girdle muscular dystrophy (Stenson et al., 2014). In silico analysis is inconsistent in its predictions as to whether or not the variant is damaging to the protein structure/function. Therefore, this variant is a strong candidate for a pathogenic variant, however the possibility that it is a benign variant cannot be excluded.

Literature cited by the submitters: PubMed 21520333 (cited by Labcorp Genetics (formerly Invitae), Labcorp); PubMed 28915917 (cited by Labcorp Genetics (formerly Invitae), Labcorp); PubMed 16627476 (cited by Labcorp Genetics (formerly Invitae), Labcorp).